The following is an entry in ClinVar:

ClinVar aggregate classification (germline): Pathogenic/Likely pathogenic. Review status: criteria provided, multiple submitters, no conflicts (2 of 4 stars). 2 submissions from 2 submitters: Pathogenic (1); Likely pathogenic (1). Last evaluated 2024-08-05.

Conditions:
Charcot-Marie-Tooth disease type 2. Also called: Charcot-Marie-Tooth type 2. Identifiers: Orphanet 64746, MedGen C0270914, MONDO:0018993.
Primary dilated cardiomyopathy (DCM). Also called: Dilated Cardiomyopathy. Identifiers: Orphanet 217604, MedGen C0007193, MeSH D002311, MONDO:0005021, HP:0001644. Inheritance: Various modes of inheritance.

Submissions (2):

All of Us Research Program, National Institutes of Health
Classification: Likely pathogenic for Primary dilated cardiomyopathy. Last evaluated: 2024-08-05. Review status: criteria provided, single submitter. Criteria: ACMG Guidelines, 2015. Collection method: clinical testing. Allele origin: germline. Inheritance: Autosomal dominant inheritance. Observed: 1 variant allele, 1 heterozygote.
Comment: The c.928C>T (p.Gln310*) variant in the LMNA gene is located on the exon 5 and is predicted to introduce a premature translation termination codon (p.Gln310*), resulting in an absent or disrupted protein product. The variant has been reported in an individual with cardiomyopathy and ventricular arrhythmia (PMID: 29618840). Loss-of-function variants of LMNA are known to be pathogenic (PMID: 32695585, 17599607, 31383942, 20127487), and frameshift/truncating variants located upstream and downstream to this position have been reported in individuals with dilated cardiomyopathy (PMID: 17605093, 17987279). The variant is reported in ClinVar (ID: 242005). The variant is absent in the general population database (gnomAD). Therefore, the c.928C>T (p.Gln310*) variant of LMNA has been classified as likely pathogenic.

This study involves interpretation of variants in research participants for the purpose of population health screening. Participant phenotype was not available at the time of variant classification. Additional details can be found in publication PMID: 35346344, PMCID: PMC8962531

Labcorp Genetics (formerly Invitae), Labcorp
Classification: Pathogenic for Charcot-Marie-Tooth disease type 2. Last evaluated: 2016-03-11. Review status: criteria provided, single submitter. Criteria: Invitae Variant Classification Sherloc (09022015). Collection method: clinical testing. Allele origin: germline.
Comment: For these reasons, this variant has been classified as Pathogenic. While this particular variant has not been reported in the literature, truncating variants in LMNA are known to be pathogenic (PMID: 23183350). This sequence change creates a premature translational stop signal at codon 310 (p.Gln310*). It is expected to result in an absent or disrupted protein product.

Literature cited by the submitters: PubMed 17599607 (cited by All of Us Research Program, National Institutes of Health); PubMed 17605093 (cited by All of Us Research Program, National Institutes of Health); PubMed 17987279 (cited by All of Us Research Program, National Institutes of Health); PubMed 20127487 (cited by All of Us Research Program, National Institutes of Health); PubMed 29618840 (cited by All of Us Research Program, National Institutes of Health); PubMed 31383942 (cited by All of Us Research Program, National Institutes of Health); PubMed 32695585 (cited by All of Us Research Program, National Institutes of Health); PubMed 23183350 (cited by Labcorp Genetics (formerly Invitae), Labcorp).

NM_170707.4(LMNA):c.928C>T (p.Gln310Ter)

Gene: LMNA (lamin A/C; plus strand). Cytogenetic location: 1q22.
Variant type: single nucleotide variant.
Coding change: c.928C>T on transcript NM_170707.4 (MANE Select); coding-DNA position 928, C replaced by T.
Protein change: p.Gln310Ter; replaces glutamine 310 with a stop codon.
Molecular consequence: nonsense.
Genome position (GRCh38, 1-based): chr1:156,135,304, C>T. VCF-style: chr1-156135304-C-T. GRCh37 (hg19) VCF-style: chr1-156105095-C-T.
Other names: c.592C>T, p.Gln198Ter (NM_001257374.3); c.685C>T, p.Gln229Ter (NM_001282624.2); c.928C>T, p.Gln310Ter (NM_001282625.2, NM_001282626.2, NM_005572.4 and 1 more transcripts); short protein forms Q310*, Q229*, Q198*.
Identifiers: ClinVar variation 242005 (VCV000242005.9), dbSNP rs878855234, ClinGen allele CA10581728.